The following is an entry in ClinVar:

NM_000138.5(FBN1):c.5534G>A (p.Gly1845Glu)

Gene: FBN1 (fibrillin 1; minus strand). Cytogenetic location: 15q21.1.
Variant type: single nucleotide variant.
Coding change: c.5534G>A on transcript NM_000138.5 (MANE Select); coding-DNA position 5534, G replaced by A.
Protein change: p.Gly1845Glu; replaces glycine 1845 with glutamic acid.
Molecular consequence: missense variant.
Genome position (GRCh38, 1-based): chr15:48,452,573, C>T on the plus strand (G>A on the coding strand, the complement: FBN1 is on the minus strand). VCF-style: chr15-48452573-C-T. GRCh37 (hg19) VCF-style: chr15-48744770-C-T.
Other names: c.5534G>A, p.Gly1845Glu (NM_001406716.1); short protein forms G1845E.
Identifiers: ClinVar variation 3384911 (VCV003384911.1).

ClinVar aggregate classification (germline): Uncertain significance. Review status: criteria provided, multiple submitters, no conflicts (2 of 4 stars). 2 submissions from 2 submitters: Uncertain significance (2). Last evaluated 2024-10-07.

Conditions:
Marfan syndrome (MFS). Also called: MARFAN SYNDROME, TYPE I; Marfan syndrome type 1; Marfan's syndrome; FBN1-Related Marfan Syndrome; Marfan syndrome, classic. Identifiers: Orphanet 284963, Orphanet 558, MedGen C0024796, MONDO:0007947, OMIM 154700.

gnomAD v4.1: 2 of 1,614,004 alleles (0.00012%); highest among the groups gnomAD compares: Non-Finnish European, 0.00017%; no homozygotes.

Submissions (2):

Women's Health and Genetics/Laboratory Corporation of America, LabCorp
Classification: Uncertain significance. Last evaluated: 2024-10-07. Review status: criteria provided, single submitter. Criteria: LabCorp Variant Classification Summary - May 2015. Collection method: clinical testing. Allele origin: germline.
Comment: Variant summary: FBN1 c.5534G>A (p.Gly1845Glu) results in a non-conservative amino acid change located in the EGF-like domain (IPR000742) of the encoded protein sequence. Four of five in-silico tools predict a damaging effect of the variant on protein function. The variant was absent in 251276 control chromosomes. The available data on variant occurrences in the general population are insufficient to allow any conclusion about variant significance. To our knowledge, no occurrence of c.5534G>A in individuals affected with Marfan Syndrome and no experimental evidence demonstrating its impact on protein function have been reported. No submitters have cited clinical-significance assessments for this variant to ClinVar. Based on the evidence outlined above, the variant was classified as uncertain significance.

All of Us Research Program, National Institutes of Health
Classification: Uncertain significance for Marfan syndrome. Last evaluated: 2024-07-29. Review status: criteria provided, single submitter. Criteria: ACMG Guidelines, 2015. Collection method: clinical testing. Allele origin: germline. Inheritance: Autosomal dominant inheritance. Observed: 1 variant allele, 1 heterozygote.
Comment: This missense variant replaces glycine with glutamic acid at codon 1845 of the FBN1 protein. Computational prediction suggests that this variant may have deleterious impact on protein structure and function (internally defined REVEL score threshold >= 0.7, PMID: 27666373). To our knowledge, functional studies have not been reported for this variant. This variant has not been reported in individuals affected with FBN1-related disorders in the literature. This variant has not been identified in the general population by the Genome Aggregation Database (gnomAD). The available evidence is insufficient to determine the role of this variant in disease conclusively. Therefore, this variant is classified as a Variant of Uncertain Significance.

This study involves interpretation of variants in research participants for the purpose of population health screening. Participant phenotype was not available at the time of variant classification. Additional details can be found in publication PMID: 35346344, PMCID: PMC8962531